The following is an entry in ClinVar:

ClinVar aggregate classification (germline): Uncertain significance (1 of 4 stars; one submission).

gnomAD v4.1: 10 of 1,612,890 alleles (0.00062%); highest among the groups gnomAD compares: Non-Finnish European, 0.00085%; no homozygotes.

Submission:

Dasa
Classification: Uncertain significance. Last evaluated: 2025-10-06. Review status: criteria provided, single submitter. Criteria: DASA Assertion Criteria. Collection method: clinical testing. Allele origin: germline.
Comment: NM_000380.4(XPA):c.822A>C (p.*274Cysext*14) is a nonsense variant in XPA predicted to introduce a premature termination codon. This variant is rare in population databases. The currently available literature and clinical evidence are not sufficient to establish a definitive association between this variant and the reported condition. Therefore, this variant is classified as a variant of uncertain significance.

NM_000380.4(XPA):c.822A>C (p.Ter274Cys)

Gene: XPA (XPA, DNA damage recognition and repair factor; minus strand). Cytogenetic location: 9q22.33.
Variant type: single nucleotide variant.
Coding change: c.822A>C on transcript NM_000380.4 (MANE Select); coding-DNA position 822, A replaced by C.
Protein change: p.Ter274Cys.
Molecular consequence: stop lost. On other transcripts: non-coding transcript variant (5).
Genome position (GRCh38, 1-based): chr9:97,675,439, T>G on the plus strand (A>C on the coding strand, the complement: XPA is on the minus strand). VCF-style: chr9-97675439-T-G. GRCh37 (hg19) VCF-style: chr9-100437721-T-G.
Other names: c.696A>C, p.Ter232Cys (NM_001354975.2).
Identifiers: ClinVar variation 4856866 (VCV004856866.2).